The following is an entry in ClinVar:

ClinVar aggregate classification (germline): Uncertain significance. Review status: criteria provided, multiple submitters, no conflicts (2 of 4 stars). 2 submissions from 2 submitters: Uncertain significance (2). Last evaluated 2023-12-22.

Conditions:
Inborn genetic diseases. Identifiers: MedGen C0950123, MeSH D030342.

Allele frequency attached by ClinVar (database versions not stated): gnomAD 0.00004; TOPMed 0.00004.

Submissions (2):

Ambry Genetics
Classification: Uncertain significance for Inborn genetic diseases. Last evaluated: 2023-12-22. Review status: criteria provided, single submitter. Criteria: Ambry Variant Classification Scheme 2023. Collection method: clinical testing. Allele origin: germline.

Labcorp Genetics (formerly Invitae), Labcorp
Classification: Uncertain significance. Last evaluated: 2023-12-02. Review status: criteria provided, single submitter. Criteria: Invitae Variant Classification Sherloc (09022015). Collection method: clinical testing. Allele origin: germline.
Comment: This sequence change replaces alanine, which is neutral and non-polar, with valine, which is neutral and non-polar, at codon 66 of the KMT2B protein (p.Ala66Val). The frequency data for this variant in the population databases is considered unreliable, as metrics indicate insufficient coverage at this position in the gnomAD database. This variant has not been reported in the literature in individuals affected with KMT2B-related conditions. Advanced modeling of protein sequence and biophysical properties (such as structural, functional, and spatial information, amino acid conservation, physicochemical variation, residue mobility, and thermodynamic stability) performed at Invitae indicates that this missense variant is not expected to disrupt KMT2B protein function with a negative predictive value of 95%. In summary, the available evidence is currently insufficient to determine the role of this variant in disease. Therefore, it has been classified as a Variant of Uncertain Significance.

NM_014727.3(KMT2B):c.197C>T (p.Ala66Val)

Genes: KMT2B (lysine methyltransferase 2B; plus strand), LOC130064258 (ATAC-STARR-seq lymphoblastoid silent region 10535; plus strand). Cytogenetic location: 19q13.12.
Variant type: single nucleotide variant.
Coding change: c.197C>T on transcript NM_014727.3 (MANE Select); coding-DNA position 197, C replaced by T.
Protein change: p.Ala66Val; replaces alanine 66 with valine.
Molecular consequence: missense variant.
Genome position (GRCh38, 1-based): chr19:35,718,215, C>T. VCF-style: chr19-35718215-C-T. GRCh37 (hg19) VCF-style: chr19-36209117-C-T.
Other names: c.197C>T (NM_014727.1); short protein forms A66V.
Identifiers: ClinVar variation 3021211 (VCV003021211.4), dbSNP rs1969031120, ClinGen allele CA405375055.